The following is an entry in ClinVar:

ClinVar aggregate classification (germline): Uncertain significance. Review status: criteria provided, multiple submitters, no conflicts (2 of 4 stars). 2 submissions from 2 submitters: Uncertain significance (2). Last evaluated 2025-07-10.

Conditions:
Inborn genetic diseases. Identifiers: MedGen C0950123, MeSH D030342.

gnomAD v4.1: 4 of 1,614,142 alleles (0.00025%); highest among the groups gnomAD compares: Admixed American, 0.005%; no homozygotes.

Submissions (2):

Labcorp Genetics (formerly Invitae), Labcorp
Classification: Uncertain significance. Last evaluated: 2025-07-10. Review status: criteria provided, single submitter. Criteria: Invitae Variant Classification Sherloc (09022015). Collection method: clinical testing. Allele origin: germline.
Comment: This sequence change replaces asparagine, which is neutral and polar, with lysine, which is basic and polar, at codon 1572 of the POLR1A protein (p.Asn1572Lys). This variant is present in population databases (no rsID available, gnomAD 0.009%). This variant has not been reported in the literature in individuals affected with POLR1A-related conditions. ClinVar contains an entry for this variant (Variation ID: 1427475). Invitae Evidence Modeling of protein sequence and biophysical properties (such as structural, functional, and spatial information, amino acid conservation, physicochemical variation, residue mobility, and thermodynamic stability) indicates that this missense variant is not expected to disrupt POLR1A protein function with a negative predictive value of 80%. In summary, the available evidence is currently insufficient to determine the role of this variant in disease. Therefore, it has been classified as a Variant of Uncertain Significance.

Ambry Genetics
Classification: Uncertain significance for Inborn genetic diseases. Last evaluated: 2024-01-19. Review status: criteria provided, single submitter. Criteria: Ambry Variant Classification Scheme 2023. Collection method: clinical testing. Allele origin: germline.

NM_015425.6(POLR1A):c.4716C>G (p.Asn1572Lys)

Gene: POLR1A (RNA polymerase I subunit A; minus strand). Cytogenetic location: 2p11.2.
Variant type: single nucleotide variant.
Coding change: c.4716C>G on transcript NM_015425.6 (MANE Select); coding-DNA position 4716, C replaced by G.
Protein change: p.Asn1572Lys; replaces asparagine 1572 with lysine.
Molecular consequence: missense variant.
Genome position (GRCh38, 1-based): chr2:86,030,259, G>C on the plus strand (C>G on the coding strand, the complement: POLR1A is on the minus strand). VCF-style: chr2-86030259-G-C. GRCh37 (hg19) VCF-style: chr2-86257382-G-C.
Other names: c.4716C>G (NM_015425.3); short protein forms N1572K.
Identifiers: ClinVar variation 1427475 (VCV001427475.7), dbSNP rs200374085, ClinGen allele CA347545374.